The following is an entry in ClinVar:

NM_000548.5(TSC2):c.4412G>A (p.Arg1471Lys)

Gene: TSC2 (TSC complex subunit 2; plus strand). Cytogenetic location: 16p13.3.
Variant type: single nucleotide variant.
Coding change: c.4412G>A on transcript NM_000548.5 (MANE Select); coding-DNA position 4412, G replaced by A.
Protein change: p.Arg1471Lys; replaces arginine 1471 with lysine.
Molecular consequence: missense variant.
Genome position (GRCh38, 1-based): chr16:2,084,634, G>A. VCF-style: chr16-2084634-G-A. GRCh37 (hg19) VCF-style: chr16-2134635-G-A.
Other names: c.4409G>A, p.Arg1470Lys (NM_001406663.1); c.4340G>A, p.Arg1447Lys (NM_001406664.1); c.4334G>A, p.Arg1445Lys (NM_001406665.1); c.4304G>A, p.Arg1435Lys (NM_001406667.1); c.4301G>A, p.Arg1434Lys (NM_001406668.1); c.4232G>A, p.Arg1411Lys (NM_001406670.1); c.4202G>A, p.Arg1401Lys (NM_001406671.1); c.4199G>A, p.Arg1400Lys (NM_001406673.1); and 26 more; short protein forms R1448K, R1470K, R956K, R979K, R1205K, R1248K, R1251K, R1367K.
Identifiers: ClinVar variation 1740415 (VCV001740415.3), dbSNP rs2544285256, ClinGen allele CA394302087.

ClinVar aggregate classification (germline): Uncertain significance. Review status: criteria provided, multiple submitters, no conflicts (2 of 4 stars). 2 submissions from 2 submitters: Uncertain significance (2). Last evaluated 2025-11-18.

Conditions:
Hereditary cancer-predisposing syndrome. Also called: Neoplastic Syndromes, Hereditary; Tumor predisposition; Hereditary Cancer Syndrome; Hereditary neoplastic syndrome. Identifiers: Orphanet 140162, MedGen C0027672, MeSH D009386, MONDO:0015356.
Tuberous sclerosis 2 (TSC2). Identifiers: Orphanet 805, MedGen C1860707, MONDO:0013199, OMIM 613254.

Submissions (2):

Labcorp Genetics (formerly Invitae), Labcorp
Classification: Uncertain significance for Tuberous sclerosis 2. Last evaluated: 2025-11-18. Review status: criteria provided, single submitter. Criteria: Invitae Variant Classification Sherloc (09022015). Collection method: clinical testing. Allele origin: germline.
Comment: This sequence change replaces arginine, which is basic and polar, with lysine, which is basic and polar, at codon 1471 of the TSC2 protein (p.Arg1471Lys). This variant is not present in population databases (gnomAD no frequency). This variant has not been reported in the literature in individuals affected with TSC2-related conditions. ClinVar contains an entry for this variant (Variation ID: 1740415). Invitae Evidence Modeling of protein sequence and biophysical properties (such as structural, functional, and spatial information, amino acid conservation, physicochemical variation, residue mobility, and thermodynamic stability) indicates that this missense variant is not expected to disrupt TSC2 protein function with a negative predictive value of 95%. In summary, the available evidence is currently insufficient to determine the role of this variant in disease. Therefore, it has been classified as a Variant of Uncertain Significance.

Ambry Genetics
Classification: Uncertain significance for Hereditary cancer-predisposing syndrome. Last evaluated: 2019-12-10. Review status: criteria provided, single submitter. Criteria: Ambry Variant Classification Scheme 2023. Collection method: clinical testing. Allele origin: germline.
Comment: The p.R1471K variant (also known as c.4412G>A), located in coding exon 33 of the TSC2 gene, results from a G to A substitution at nucleotide position 4412. The arginine at codon 1471 is replaced by lysine, an amino acid with highly similar properties. This amino acid position is highly conserved in available vertebrate species. In addition, this alteration is predicted to be deleterious by in silico analysis. Since supporting evidence is limited at this time, the clinical significance of this alteration remains unclear.